The following is an entry in ClinVar:

NM_000159.4(GCDH):c.650C>T (p.Pro217Leu)

Gene: GCDH (glutaryl-CoA dehydrogenase; plus strand). Cytogenetic location: 19p13.13.
Variant type: single nucleotide variant.
Coding change: c.650C>T on transcript NM_000159.4 (MANE Select); coding-DNA position 650, C replaced by T.
Protein change: p.Pro217Leu; replaces proline 217 with leucine.
Molecular consequence: missense variant. On other transcripts: non-coding transcript variant (1).
Genome position (GRCh38, 1-based): chr19:12,896,219, C>T. VCF-style: chr19-12896219-C-T. GRCh37 (hg19) VCF-style: chr19-13007033-C-T.
Other names: c.650C>T, p.Pro217Leu (NM_013976.5); short protein forms P217L.
Identifiers: ClinVar variation 1706404 (VCV001706404.3), dbSNP rs2512573365, ClinGen allele CA404318490.
Genomic context (GRCh38, chr19:12,896,219, plus strand): 5'-GCAAAGGGGCACTGGTCAGACCCCTCACCGACTGTTCCATCCCCAGGATCACGAACTCGC[C>T]TATGGCCGATCTGTTTGTAGTGTGGGCTCGGTGTGAAGATGGCTGCATTCGGGGCTTCCT-3'
Protein context (NP_000150.1, residues 207-227): NGTKTWITNS[Pro217Leu]MADLFVVWAR

ClinVar aggregate classification (germline): Likely pathogenic. Review status: criteria provided, multiple submitters, no conflicts (2 of 4 stars). 2 submissions from 2 submitters: Likely pathogenic (2). Last evaluated 2023-02-07.

Conditions:
Glutaric aciduria, type 1. Also called: Glutaricaciduria, type I; Glutaric Acidemia Type 1; Glutaricacidemia Type 1; GA I; Glutaryl-CoA dehydrogenase deficiency; Glutaric acidemia type I. Identifiers: Orphanet 25, MedGen C0268595, MONDO:0009281, OMIM 231670.

Submissions (2):

Baylor Genetics
Classification: Likely pathogenic for Glutaric aciduria, type 1. Last evaluated: 2023-02-07. Review status: criteria provided, single submitter. Criteria: ACMG Guidelines, 2015. Collection method: clinical testing. Allele origin: unknown.

GeneDx
Classification: Likely pathogenic. Last evaluated: 2022-03-11. Review status: criteria provided, single submitter. Criteria: GeneDx Variant Classification Process June 2021. Collection method: clinical testing. Allele origin: germline. Affected: yes.
Comment: Identified with a second GCDH variant, phase unknown, in a patient with GA I in the published literature (Gupta et al., 2015); Not observed at significant frequency in large population cohorts (gnomAD); In silico analysis supports that this missense variant has a deleterious effect on protein structure/function; This variant is associated with the following publications: (PMID: 25762492, 10699052)